The following is an entry in ClinVar:

NM_005591.4(MRE11):c.426C>A (p.Asp142Glu)

Gene: MRE11 (MRE11 double strand break repair nuclease; minus strand). Cytogenetic location: 11q21.
Variant type: single nucleotide variant.
Coding change: c.426C>A on transcript NM_005591.4 (MANE Select); coding-DNA position 426, C replaced by A.
Protein change: p.Asp142Glu; replaces aspartic acid 142 with glutamic acid.
Molecular consequence: missense variant.
Genome position (GRCh38, 1-based): chr11:94,478,853, G>T on the plus strand (C>A on the coding strand, the complement: MRE11 is on the minus strand). VCF-style: chr11-94478853-G-T. GRCh37 (hg19) VCF-style: chr11-94212019-G-T.
Other names: c.426C>A, p.Asp142Glu (NM_001330347.2, NM_005590.4); short protein forms D142E.
Identifiers: ClinVar variation 2066090 (VCV002066090.2), dbSNP rs3218740, ClinGen allele CA382377747.

ClinVar aggregate classification (germline): Uncertain significance (1 of 4 stars; one submission).

Conditions:
Ataxia-telangiectasia-like disorder (ATLD). Identifiers: MedGen C1858391, MONDO:0011457.

gnomAD v4.1: 3 of 1,613,738 alleles (0.00019%); highest among the groups gnomAD compares: South Asian, 0.0033%; no homozygotes.

Submission:

Labcorp Genetics (formerly Invitae), Labcorp
Classification: Uncertain significance for Ataxia-telangiectasia-like disorder. Last evaluated: 2025-08-09. Review status: criteria provided, single submitter. Criteria: Invitae Variant Classification Sherloc (09022015). Collection method: clinical testing. Allele origin: germline.
Comment: This sequence change replaces aspartic acid, which is acidic and polar, with glutamic acid, which is acidic and polar, at codon 142 of the MRE11 protein (p.Asp142Glu). This variant is not present in population databases (gnomAD no frequency). This variant has not been reported in the literature in individuals affected with MRE11-related conditions. ClinVar contains an entry for this variant (Variation ID: 2066090). An algorithm developed to predict the effect of missense changes on protein structure and function (PolyPhen-2) suggests that this variant is likely to be disruptive. In summary, the available evidence is currently insufficient to determine the role of this variant in disease. Therefore, it has been classified as a Variant of Uncertain Significance.